The following is an entry in ClinVar:

NC_000002.11:g.(?_86115927)_(86116028_?)dup

Gene: ST3GAL5 (ST3 beta-galactoside alpha-2,3-sialyltransferase 5; minus strand). Cytogenetic location: 2p11.2.
Variant type: Duplication.
Identifiers: ClinVar variation 1448590 (VCV001448590.4).

ClinVar aggregate classification (germline): Uncertain significance (1 of 4 stars; one submission).

Conditions:
GM3 synthase deficiency (SPDRS). Also called: SALT AND PEPPER DEVELOPMENTAL REGRESSION SYNDROME; AMISH INFANTILE EPILEPSY SYNDROME; SALT AND PEPPER MENTAL RETARDATION SYNDROME. Identifiers: Orphanet 171714, Orphanet 370933, MedGen C1836824, MONDO:0018274, OMIM 609056.

Submission:

Labcorp Genetics (formerly Invitae), Labcorp
Classification: Uncertain significance for GM3 synthase deficiency. Last evaluated: 2022-07-26. Review status: criteria provided, single submitter. Criteria: Invitae Variant Classification Sherloc (09022015). Collection method: clinical testing. Allele origin: germline.
Comment: This variant results in a copy number gain of the genomic region encompassing exon(s) 1 of the ST3GAL5 gene. This region includes the initiator codon of the gene. This copy number gain extends beyond the assayed region for this gene and therefore may encompass additional genes. As the precise location of this event is unknown, it may be in tandem or it may be located elsewhere in the genome. This variant has not been reported in the literature in individuals affected with ST3GAL5-related conditions. In summary, the available evidence is currently insufficient to determine the role of this variant in disease. Therefore, it has been classified as a Variant of Uncertain Significance.